The following is an entry in ClinVar:

ClinVar aggregate classification (germline): Likely benign. Review status: criteria provided, single submitter (1 of 4 stars). 2 submissions from 1 submitter: Likely benign (2). Last evaluated 2017-04-27.

Conditions:
Autosomal dominant nonsyndromic hearing loss 22. Also called: Autosomal dominant nonsyndromic deafness 22; DFNA 22. Identifiers: Orphanet 228012, MedGen C2931767, MONDO:0011660, OMIM 606346.
Autosomal recessive nonsyndromic hearing loss 37. Identifiers: Orphanet 90636, MedGen C1843028, MONDO:0011912, OMIM 607821.

Allele frequency attached by ClinVar (database versions not stated): gnomAD 0.00024 and 0.00035; TOPMed 0.00044; 1000 Genomes Project 0.00220; 1000 Genomes Project 30x 0.00281.
gnomAD v4.1: 51 of 146,118 alleles (0.035%); highest among the groups gnomAD compares: East Asian, 1%; 2 homozygotes.

Submissions (2):

Illumina Laboratory Services, Illumina
Classification: Likely benign for Autosomal recessive nonsyndromic hearing loss 37. Last evaluated: 2017-04-27. Review status: criteria provided, single submitter. Criteria: ICSL Variant Classification Criteria 13 December 2019. Collection method: clinical testing. Allele origin: germline.
Comment: This variant was observed as part of a predisposition screen in an ostensibly healthy population. A literature search was performed for the gene, cDNA change, and amino acid change (where applicable). No publications were found based on this search. Allele frequency data from public databases allowed determination this variant is unlikely to cause disease. Therefore, this variant is classified as likely benign.

Illumina Laboratory Services, Illumina
Classification: Likely benign for Autosomal dominant nonsyndromic hearing loss 22. Last evaluated: 2017-04-27. Review status: criteria provided, single submitter. Criteria: ICSL Variant Classification Criteria 13 December 2019. Collection method: clinical testing. Allele origin: germline.
Comment: the same text as in the submission from Illumina Laboratory Services, Illumina above.

NM_004999.4(MYO6):c.*4428A>G

Gene: MYO6 (myosin VI; plus strand). Cytogenetic location: 6q14.1.
Variant type: single nucleotide variant.
Coding change: c.*4428A>G on transcript NM_004999.4 (MANE Select); 4428 bases downstream of the stop codon, A replaced by G.
Molecular consequence: 3 prime UTR variant. On other transcripts: non-coding transcript variant (1).
Genome position (GRCh38, 1-based): chr6:75,919,440, A>G. VCF-style: chr6-75919440-A-G. GRCh37 (hg19) VCF-style: chr6-76629157-A-G.
Other names: c.*4428A>G (NM_001300899.2, NM_001368136.1, NM_001368137.1 and 3 more transcripts).
Identifiers: ClinVar variation 358061 (VCV000358061.5), dbSNP rs574549669, ClinGen allele CA10624676.